The following is an entry in ClinVar:

NM_004186.5(SEMA3F):c.1951C>T (p.Arg651Cys)

Gene: SEMA3F (semaphorin 3F; plus strand). Cytogenetic location: 3p21.31.
Variant type: single nucleotide variant.
Coding change: c.1951C>T on transcript NM_004186.5 (MANE Select); coding-DNA position 1951, C replaced by T.
Protein change: p.Arg651Cys; replaces arginine 651 with cysteine.
Molecular consequence: missense variant.
Genome position (GRCh38, 1-based): chr3:50,187,708, C>T. VCF-style: chr3-50187708-C-T. GRCh37 (hg19) VCF-style: chr3-50225141-C-T.
Other names: c.1654C>T, p.Arg552Cys (NM_001318798.2); c.1858C>T, p.Arg620Cys (NM_001318800.2); short protein forms R620C, R651C, R552C.
Identifiers: ClinVar variation 5000589 (VCV005000589.1).

ClinVar aggregate classification (germline): Uncertain significance (1 of 4 stars; one submission).

Conditions:
SEMA3F-related disorder. Also called: SEMA3F-related condition.

Submission:

PreventionGenetics, part of Exact Sciences
Classification: Uncertain significance for SEMA3F-related condition. Last evaluated: 2026-02-20. Review status: criteria provided, single submitter. Criteria: ACMG Guidelines, 2015. Collection method: clinical testing. Allele origin: germline.
Comment: The SEMA3F c.1951C>T variant is predicted to result in the amino acid substitution p.Arg651Cys. To our knowledge, this variant has not been reported in the literature. This variant is reported in 0.0019% of alleles in individuals of European (Non-Finnish) descent in gnomAD. At this time, the clinical significance of this variant is uncertain due to the absence of conclusive functional and genetic evidence.